The following is an entry in ClinVar:

NM_001031710.3(KLHL7):c.134A>G (p.Asp45Gly)

Gene: KLHL7 (kelch like family member 7; plus strand). Cytogenetic location: 7p15.3.
Variant type: single nucleotide variant.
Coding change: c.134A>G on transcript NM_001031710.3 (MANE Select); coding-DNA position 134, A replaced by G.
Protein change: p.Asp45Gly; replaces aspartic acid 45 with glycine.
Molecular consequence: missense variant. On other transcripts: 5 prime UTR variant (1), non-coding transcript variant (2).
Genome position (GRCh38, 1-based): chr7:23,123,790, A>G. VCF-style: chr7-23123790-A-G. GRCh37 (hg19) VCF-style: chr7-23163409-A-G.
Other names: c.134A>G, p.Asp45Gly (NM_001172428.2); c.-11A>G (NM_018846.5); short protein forms D45G.
Identifiers: ClinVar variation 2049777 (VCV002049777.4), dbSNP rs1583655937, ClinGen allele CA366974564.

ClinVar aggregate classification (germline): Uncertain significance (1 of 4 stars; one submission).

Submission:

Labcorp Genetics (formerly Invitae), Labcorp
Classification: Uncertain significance. Last evaluated: 2021-12-20. Review status: criteria provided, single submitter. Criteria: Invitae Variant Classification Sherloc (09022015). Collection method: clinical testing. Allele origin: germline.
Comment: Algorithms developed to predict the effect of missense changes on protein structure and function are either unavailable or do not agree on the potential impact of this missense change (SIFT: "Deleterious"; PolyPhen-2: "Probably Damaging"; Align-GVGD: "Class C0"). In summary, the available evidence is currently insufficient to determine the role of this variant in disease. Therefore, it has been classified as a Variant of Uncertain Significance. This variant has not been reported in the literature in individuals affected with KLHL7-related conditions. This variant is not present in population databases (gnomAD no frequency). This sequence change replaces aspartic acid, which is acidic and polar, with glycine, which is neutral and non-polar, at codon 45 of the KLHL7 protein (p.Asp45Gly).